The following is an entry in ClinVar:

NM_001135022.2(ELMOD3):c.1031C>T (p.Ser344Phe)

Gene: ELMOD3 (ELMO domain containing 3; plus strand). Cytogenetic location: 2p11.2.
Variant type: single nucleotide variant.
Coding change: c.1031C>T on transcript NM_001135022.2 (MANE Select); coding-DNA position 1031, C replaced by T.
Protein change: p.Ser344Phe; replaces serine 344 with phenylalanine.
Molecular consequence: missense variant. On other transcripts: non-coding transcript variant (3).
Genome position (GRCh38, 1-based): chr2:85,390,847, C>T. VCF-style: chr2-85390847-C-T. GRCh37 (hg19) VCF-style: chr2-85617970-C-T.
Other names: c.1031C>T, p.Ser344Phe (NM_001135021.2, NM_001135023.2, NM_001329791.2 and 2 more transcripts); c.*349C>T (NM_032213.5); short protein forms S344F.
Identifiers: ClinVar variation 2431866 (VCV002431866.2), dbSNP rs2529169535, ClinGen allele CA347460170.

ClinVar aggregate classification (germline): Uncertain significance (1 of 4 stars; one submission).

Conditions:
Hearing loss, autosomal dominant 81. Also called: Deafness, autosomal dominant 81. Identifiers: MedGen C5561972, MONDO:0030549, OMIM 619500.

Submission:

Laboratorio de Genetica e Diagnostico Molecular, Hospital Israelita Albert Einstein
Classification: Uncertain significance for Hearing loss, autosomal dominant 81. Last evaluated: 2023-02-02. Review status: criteria provided, single submitter. Criteria: ACMG Guidelines, 2015. Collection method: clinical testing. Allele origin: germline. Affected: yes.
Comment: ACMG classification criteria: PM2 moderated, BP4 supporting